The following is an entry in ClinVar:

ClinVar aggregate classification (germline): Uncertain significance (1 of 4 stars; one submission).

Conditions:
Hereditary cancer-predisposing syndrome. Also called: Hereditary neoplastic syndrome; Tumor predisposition; Hereditary Cancer Syndrome; Neoplastic Syndromes, Hereditary. Identifiers: Orphanet 140162, MedGen C0027672, MeSH D009386, MONDO:0015356.

Submission:

Ambry Genetics
Classification: Uncertain significance for Hereditary cancer-predisposing syndrome. Last evaluated: 2023-08-04. Review status: criteria provided, single submitter. Criteria: Ambry Variant Classification Scheme 2023. Collection method: clinical testing. Allele origin: germline.
Comment: The p.Q435R variant (also known as c.1304A>G), located in coding exon 8 of the MSH3 gene, results from an A to G substitution at nucleotide position 1304. The glutamine at codon 435 is replaced by arginine, an amino acid with highly similar properties. This amino acid position is conserved. In addition, this alteration is predicted to be tolerated by in silico analysis. Since supporting evidence is limited at this time, the clinical significance of this alteration remains unclear.

NM_002439.5(MSH3):c.1304A>G (p.Gln435Arg)

Gene: MSH3 (mutS homolog 3; plus strand). Cytogenetic location: 5q14.1.
Variant type: single nucleotide variant.
Coding change: c.1304A>G on transcript NM_002439.5 (MANE Select); coding-DNA position 1304, A replaced by G.
Protein change: p.Gln435Arg; replaces glutamine 435 with arginine.
Molecular consequence: missense variant.
Genome position (GRCh38, 1-based): chr5:80,679,057, A>G. VCF-style: chr5-80679057-A-G. GRCh37 (hg19) VCF-style: chr5-79974876-A-G.
Other names: short protein forms Q435R.
Identifiers: ClinVar variation 2586074 (VCV002586074.2), dbSNP rs2546726673, ClinGen allele CA360269080.
Genomic context (GRCh38, chr5:80,679,057, plus strand): 5'-AAACCCGGATGTCAAGCCTGCAGCCAGTAGAGCTGCTGCTTCCTTCGGCCTTGTCCGAGC[A>G]AACAGAGGCGCTCATCCACAGAGCCACATCTGTTAGGTAAGTTGGCACATCACTGGAATA-3'
Protein context (NP_002430.3, residues 425-445): ELLLPSALSE[Gln435Arg]TEALIHRATS